The following is an entry in ClinVar:

ClinVar aggregate classification (germline): Uncertain significance (1 of 4 stars; one submission).

Allele frequency attached by ClinVar (database versions not stated): 1000 Genomes Project 0.00020; 1000 Genomes Project 30x 0.00031.
gnomAD v4.1: 54 of 1,614,142 alleles (0.0033%); highest among the groups gnomAD compares: Admixed American, 0.037%; no homozygotes.

Submission:

Labcorp Genetics (formerly Invitae), Labcorp
Classification: Uncertain significance. Last evaluated: 2021-11-17. Review status: criteria provided, single submitter. Criteria: Invitae Variant Classification Sherloc (09022015). Collection method: clinical testing. Allele origin: germline.
Comment: In summary, the available evidence is currently insufficient to determine the role of this variant in disease. Therefore, it has been classified as a Variant of Uncertain Significance. Algorithms developed to predict the effect of missense changes on protein structure and function output the following: SIFT: "Tolerated"; PolyPhen-2: "Benign"; Align-GVGD: "Class C0". The histidine amino acid residue is found in multiple mammalian species, which suggests that this missense change does not adversely affect protein function. ClinVar contains an entry for this variant (Variation ID: 1052362). This variant has not been reported in the literature in individuals affected with ORC1-related conditions. This variant is present in population databases (rs576163345, gnomAD 0.05%). This sequence change replaces arginine, which is basic and polar, with histidine, which is basic and polar, at codon 380 of the ORC1 protein (p.Arg380His).

NM_004153.4(ORC1):c.1139G>A (p.Arg380His)

Gene: ORC1 (origin recognition complex subunit 1; minus strand). Cytogenetic location: 1p32.3.
Variant type: single nucleotide variant.
Coding change: c.1139G>A on transcript NM_004153.4 (MANE Select); coding-DNA position 1139, G replaced by A.
Protein change: p.Arg380His; replaces arginine 380 with histidine.
Molecular consequence: missense variant.
Genome position (GRCh38, 1-based): chr1:52,389,265, C>T on the plus strand (G>A on the coding strand, the complement: ORC1 is on the minus strand). VCF-style: chr1-52389265-C-T. GRCh37 (hg19) VCF-style: chr1-52854937-C-T.
Other names: c.1139G>A, p.Arg380His (NM_001190818.2, NM_001190819.2); short protein forms R380H.
Identifiers: ClinVar variation 1052362 (VCV001052362.7), dbSNP rs576163345, ClinGen allele CA853419.
Genomic context (GRCh38, chr1:52,389,265, plus strand): 5'-GAGTAGTCTTACCGAAGCTGCTGCCTAATCCGATTCATAGTCAAGACAGAACTCTTTCTG[C>T]GGATACGATGGGGAGTAGAGGTCGCTTCATTCTGGGCTTTTGCTTCTTTTGCATCCCTGC-3'
Protein context (NP_004144.2, residues 370-390): NEATSTPHRI[Arg380His]RKSSVLTMNR